The following is an entry in ClinVar:

ClinVar aggregate classification (germline): Uncertain significance (1 of 4 stars; one submission).

Conditions:
TTN-related disorder. Also called: TTN-related disorders; TTN-related condition; TTN-related disease.

gnomAD v4.1: 5 of 1,613,536 alleles (0.00031%); highest among the groups gnomAD compares: East Asian, 0.011%; no homozygotes.

Submission:

PreventionGenetics, part of Exact Sciences
Classification: Uncertain significance for TTN-related condition. Last evaluated: 2026-04-04. Review status: criteria provided, single submitter. Criteria: ACMG Guidelines, 2015. Collection method: clinical testing. Allele origin: germline.
Comment: The TTN c.20990G>T variant is predicted to result in the amino acid substitution p.Ser6997Ile. To our knowledge, this variant has not been reported in the literature. This variant is reported in 0.0056% of alleles in individuals of East Asian descent in gnomAD. At this time, the clinical significance of this variant is uncertain due to the absence of conclusive functional and genetic evidence.

NM_001267550.2(TTN):c.20990G>T (p.Ser6997Ile)

Genes: TTN (titin; minus strand), LOC126806428 (BRD4-independent group 4 enhancer GRCh37_chr2:179588362-179589561; plus strand). Cytogenetic location: 2q31.2.
Variant type: single nucleotide variant.
Coding change: c.20990G>T on transcript NM_001267550.2 (MANE Select); coding-DNA position 20990, G replaced by T.
Protein change: p.Ser6997Ile; replaces serine 6997 with isoleucine.
Molecular consequence: missense variant. On other transcripts: intron variant (3).
Genome position (GRCh38, 1-based): chr2:178,724,385, C>A on the plus strand (G>T on the coding strand, the complement: TTN is on the minus strand). VCF-style: chr2-178724385-C-A. GRCh37 (hg19) VCF-style: chr2-179589112-C-A.
Other names: c.20039G>T, p.Ser6680Ile (NM_001256850.1); c.17258G>T, p.Ser5753Ile (NM_133378.4); c.13282+13697G>T (NM_003319.4); c.13858+13697G>T (NM_133437.4); c.13657+13697G>T (NM_133432.3); short protein forms S5753I, S6680I, S6997I.
Identifiers: ClinVar variation 4984220 (VCV004984220.1).
Genomic context (GRCh38, chr2:178,724,385, plus strand): 5'-GTGCCTGCATCTTGCCTTTCAACTGAGAGAATCCTTAAGGAAGAGATTTTGTTGTAGAAG[C>A]TAAATTTGTGTTTTTGGCTGCTGGTCAACAGCTTTCCATCCTTGTACCATTCAACAGAGA-3'
Protein context (NP_001254479.2, residues 6987-7007): LLTSSQKHKF[Ser6997Ile]FYNKISSLRI